The following is an entry in ClinVar:

NM_014795.4(ZEB2):c.3308C>A (p.Pro1103His)

Gene: ZEB2 (zinc finger E-box binding homeobox 2; minus strand). Cytogenetic location: 2q22.3.
Variant type: single nucleotide variant.
Coding change: c.3308C>A on transcript NM_014795.4 (MANE Select); coding-DNA position 3308, C replaced by A.
Protein change: p.Pro1103His; replaces proline 1103 with histidine.
Molecular consequence: missense variant.
Genome position (GRCh38, 1-based): chr2:144,389,788, G>T on the plus strand (C>A on the coding strand, the complement: ZEB2 is on the minus strand). VCF-style: chr2-144389788-G-T. GRCh37 (hg19) VCF-style: chr2-145147355-G-T.
Other names: c.3236C>A, p.Pro1079His (NM_001171653.2); short protein forms P1103H, P1079H.
Identifiers: ClinVar variation 665219 (VCV000665219.9), dbSNP rs1385679012, ClinGen allele CA348699734.

ClinVar aggregate classification (germline): Uncertain significance. Review status: criteria provided, multiple submitters, no conflicts (2 of 4 stars). 2 submissions from 2 submitters: Uncertain significance (2). Last evaluated 2025-07-11.

Conditions:
ZEB2-related disorder. Also called: ZEB2-related condition.
Mowat-Wilson syndrome (MOWS). Also called: Classic Mowat-Wilson Syndrome. Identifiers: Orphanet 2152, MedGen C1856113, MONDO:0009341, OMIM 235730.

Submissions (2):

PreventionGenetics, part of Exact Sciences
Classification: Uncertain significance for ZEB2-related condition. Last evaluated: 2025-07-11. Review status: criteria provided, single submitter. Criteria: ACMG Guidelines, 2015. Collection method: clinical testing. Allele origin: germline.
Comment: The ZEB2 c.3308C>A variant is predicted to result in the amino acid substitution p.Pro1103His. To our knowledge, this variant has not been reported in the literature or in a large population database (gnomAD), indicating this variant is rare. At this time, the clinical significance of this variant is uncertain due to the absence of conclusive functional and genetic evidence.

Labcorp Genetics (formerly Invitae), Labcorp
Classification: Uncertain significance for Mowat-Wilson syndrome. Last evaluated: 2024-06-26. Review status: criteria provided, single submitter. Criteria: Invitae Variant Classification Sherloc (09022015). Collection method: clinical testing. Allele origin: germline.
Comment: This sequence change replaces proline, which is neutral and non-polar, with histidine, which is basic and polar, at codon 1103 of the ZEB2 protein (p.Pro1103His). This variant is not present in population databases (gnomAD no frequency). This variant has not been reported in the literature in individuals affected with ZEB2-related conditions. ClinVar contains an entry for this variant (Variation ID: 665219). Advanced modeling performed at Invitae incorporating data from internal and/or published experimental studies (Invitae) indicates that this missense variant is not expected to disrupt ZEB2 function with a negative predictive value of 95%. In summary, the available evidence is currently insufficient to determine the role of this variant in disease. Therefore, it has been classified as a Variant of Uncertain Significance.